The following is an entry in ClinVar:

ClinVar aggregate classification (germline): Uncertain significance. Review status: reviewed by expert panel (3 of 4 stars). 2 submissions from 2 submitters: Uncertain significance (1). 1 of the submissions does not count toward it. Last evaluated 2025-04-10.

Conditions:
Fanconi renotubular syndrome 1. Also called: Toni-Debre-Fanconi syndrome; Neonatal De Toni-Debre-Fanconi syndrome; De Toni-Fanconi syndrome; FRTS1; LUDER-SHELDON SYNDROME. Identifiers: MedGen C4551503, MONDO:0024525, OMIM 134600.
Arginine:glycine amidinotransferase deficiency (CCDS3). Also called: AGAT deficiency; Creatine deficiency syndrome due to AGAT deficiency; GATM deficiency; L-Arginine:Glycine Amidinotransferase (AGAT) Deficiency; Cerebral creatine deficiency syndrome 3; L-Arginine:Glycine Amidinotransferase Deficiency. Identifiers: Orphanet 35704, MedGen C2675179, MONDO:0012996, OMIM 612718.

Submissions (2):

ClinGen Cerebral Creatine Deficiency Syndromes Variant Curation Expert Panel, ClinGen
Classification: Uncertain significance for Arginine:glycine amidinotransferase deficiency. Last evaluated: 2025-04-10. Review status: reviewed by expert panel. Criteria: ClinGen CCDS ACMG Specifications GATM V2.0.0. Collection method: curation. Allele origin: germline. Inheritance: Autosomal recessive inheritance.
Comment: The NM_001482.3:c.1007C>T variant in GATM is a missense variant predicted to cause substitution of threonine by isoleucine at amino acid 366 (p.Thr336Ile). To our knowledge, this variant has not been reported in the literature in any individuals with AGAT deficiency. It has, however, been reported in a family with renal Fanconi syndrome (PMID 29654216). Thie variant is absent in gnomAD v2.1.1 (PM2_Supporting). The computational predictor REVEL gives a score of 0.137 which is below the threshold of 0.29, evidence that does not predict a damaging effect on GATM function (PMID: 36413997)(BP4). SpliceAI predicts that the variant has no impact on splicing. Another missense variant c.1006A>G (p.Thr336Ala) in the same codon has also been reported in a family with renal Fanconi syndrome but not AGAT deficiency (PMID 29654216). This variant has not met the criteria to be classified as pathogenic or likely pathogenic for AGAT deficiency by the ClinGen CCDS VCEP (PM5 not met). In summary, the c.1007C>T (p.Thr336Ile) variant meets the criteria to be classified as a variant of uncertain significance for AGAT deficiency based on the ACMG/AMP criteria applied, as specified by the ClinGen Cerebral Creatine Deficiency Syndromes Variant Curation Expert Panel (Specifications Version 2.0.0): PM2_Supporting, BP4. (Classification approved by the ClinGen CCDS VCEP on April 10, 2025).

OMIM
Classification: Pathogenic for FANCONI RENOTUBULAR SYNDROME 1. Last evaluated: 2020-06-11. Review status: no assertion criteria provided. Collection method: literature only. Allele origin: germline. Not counted in ClinVar's aggregate classification.

Literature cited by the submitters: PubMed 29654216 (cited by OMIM).

NM_001482.3(GATM):c.1007C>T (p.Thr336Ile)

Gene: GATM (glycine amidinotransferase; minus strand). Cytogenetic location: 15q21.1.
Variant type: single nucleotide variant.
Coding change: c.1007C>T on transcript NM_001482.3 (MANE Select); coding-DNA position 1007, C replaced by T.
Protein change: p.Thr336Ile; replaces threonine 336 with isoleucine.
Molecular consequence: missense variant.
Genome position (GRCh38, 1-based): chr15:45,364,832, G>A on the plus strand (C>T on the coding strand, the complement: GATM is on the minus strand). VCF-style: chr15-45364832-G-A. GRCh37 (hg19) VCF-style: chr15-45657030-G-A.
Other names: NM_001482.3(GATM):c.1007C>T; p.Thr336Ile; c.620C>T, p.Thr207Ile (NM_001321015.2); short protein forms T336I, T207I.
Identifiers: ClinVar variation 917495 (VCV000917495.4), dbSNP rs1481334244, ClinGen allele CA392256545.
Genomic context (GRCh38, chr15:45,364,832, plus strand): 5'-TAACAGTGTATGAAAGTAAACATACCGTCTGGGATGATTGGTGTTGGAGGAGTAATGATA[G>A]TCCATCCTGCTTTCTTGAAAAGATCAATCTGTAAGACCAAAAAAAACCCCCAAAACCGTT-3'
Protein context (NP_001473.1, residues 326-346): QIDLFKKAGW[Thr336Ile]IITPPTPIIP